The following is an entry in ClinVar:

ClinVar aggregate classification (germline): Uncertain significance. Review status: criteria provided, multiple submitters, no conflicts (2 of 4 stars). 2 submissions from 2 submitters: Uncertain significance (2). Last evaluated 2025-12-31.

Allele frequency attached by ClinVar (database versions not stated): gnomAD exomes below 0.00001; gnomAD 0.00001; TOPMed 0.00005.
gnomAD v4.1: 2 of 1,613,086 alleles (0.00012%); highest among the groups gnomAD compares: Admixed American, 0.0033%; no homozygotes.

Submissions (2):

Labcorp Genetics (formerly Invitae), Labcorp
Classification: Uncertain significance. Last evaluated: 2025-12-31. Review status: criteria provided, single submitter. Criteria: Invitae Variant Classification Sherloc (09022015). Collection method: clinical testing. Allele origin: germline.
Comment: This sequence change replaces alanine, which is neutral and non-polar, with glutamic acid, which is acidic and polar, at codon 414 of the MYLK3 protein (p.Ala414Glu). The frequency data for this variant in the population databases is considered unreliable, as metrics indicate poor data quality at this position in the gnomAD database. This variant has not been reported in the literature in individuals affected with MYLK3-related conditions. ClinVar contains an entry for this variant (Variation ID: 2901442). An algorithm developed to predict the effect of missense changes on protein structure and function (PolyPhen-2) suggests that this variant is likely to be tolerated. In summary, the available evidence is currently insufficient to determine the role of this variant in disease. Therefore, it has been classified as a Variant of Uncertain Significance.

Ambry Genetics
Classification: Uncertain significance. Last evaluated: 2025-10-29. Review status: criteria provided, single submitter. Criteria: Ambry Variant Classification Scheme 2023. Collection method: clinical testing. Allele origin: germline.

NM_182493.3(MYLK3):c.1241C>A (p.Ala414Glu)

Gene: MYLK3 (myosin light chain kinase 3; minus strand). Cytogenetic location: 16q11.2.
Variant type: single nucleotide variant.
Coding change: c.1241C>A on transcript NM_182493.3 (MANE Select); coding-DNA position 1241, C replaced by A.
Protein change: p.Ala414Glu; replaces alanine 414 with glutamic acid.
Molecular consequence: missense variant.
Genome position (GRCh38, 1-based): chr16:46,732,429, G>T on the plus strand (C>A on the coding strand, the complement: MYLK3 is on the minus strand). VCF-style: chr16-46732429-G-T. GRCh37 (hg19) VCF-style: chr16-46766341-G-T.
Other names: c.1241C>A (NM_182493.2); c.218C>A, p.Ala73Glu (NM_001308301.1); short protein forms A414E, A73E.
Identifiers: ClinVar variation 2901442 (VCV002901442.4), dbSNP rs1395938846, ClinGen allele CA395792505.